The following is an entry in ClinVar:

ClinVar aggregate classification (germline): Benign/Likely benign. Review status: criteria provided, multiple submitters, no conflicts (2 of 4 stars). 13 submissions from 13 submitters: Benign (11); Likely benign (1). 1 of the submissions does not count toward it. Last evaluated 2026-02-04.

Conditions:
Fibrous dysplasia of jaw (CRBM). Also called: Cherubism. Identifiers: Orphanet 184, MedGen C0008029, MONDO:0007315, OMIM 118400.

Allele frequency attached by ClinVar (database versions not stated): ESP Exome Variant Server 0.45433; 1000 Genomes Project 30x 0.46330; 1000 Genomes Project 0.46625; TOPMed 0.47513.
gnomAD v4.1: 799,107 of 1,611,582 alleles (50%); highest among the groups gnomAD compares: Admixed American, 62%; 200,283 homozygotes.

Submissions (13):

Labcorp Genetics (formerly Invitae), Labcorp
Classification: Benign for Fibrous dysplasia of jaw. Last evaluated: 2026-02-04. Review status: criteria provided, single submitter. Criteria: Invitae Variant Classification Sherloc (09022015). Collection method: clinical testing. Allele origin: germline.

Women's Health and Genetics/Laboratory Corporation of America, LabCorp
Classification: Benign. Last evaluated: 2026-01-21. Review status: criteria provided, single submitter. Criteria: LabCorp Variant Classification Summary - May 2015. Collection method: clinical testing. Allele origin: germline.

Blueprint Genetics
Classification: Likely benign. Last evaluated: 2024-11-26. Review status: criteria provided, single submitter. Criteria: ACMG Guidelines, 2015. Collection method: clinical testing. Allele origin: germline.

Unidad de Genómica Garrahan, Hospital de Pediatría Garrahan
Classification: Benign. Last evaluated: 2023-11-12. Review status: criteria provided, single submitter. Criteria: ACMG Guidelines, 2015. Collection method: clinical testing. Allele origin: germline. Affected: no. Observed: 82 variant alleles.
Comment: This variant is classified as Benign based on local population frequency. This variant was detected in 85% of patients studied by a panel of primary immunodeficiencies. Number of patients: 82. Only high quality variants are reported.

Genome-Nilou Lab
Classification: Benign for Fibrous dysplasia of jaw. Last evaluated: 2021-07-15. Review status: criteria provided, single submitter. Criteria: ACMG Guidelines, 2015. Collection method: clinical testing. Allele origin: germline. Affected: no.

GeneDx
Classification: Benign. Last evaluated: 2021-05-04. Review status: criteria provided, single submitter. Criteria: GeneDx Variant Classification Process June 2021. Collection method: clinical testing. Allele origin: germline. Affected: yes.

Mayo Clinic Laboratories, Mayo Clinic
Classification: Benign. Last evaluated: 2018-03-22. Review status: criteria provided, single submitter. Criteria: ACMG Guidelines, 2015. Collection method: clinical testing. Allele origin: germline. Observed: 740 variant alleles.

Illumina Laboratory Services, Illumina
Classification: Benign for Fibrous dysplasia of jaw. Last evaluated: 2018-01-13. Review status: criteria provided, single submitter. Criteria: ICSL Variant Classification Criteria 13 December 2019. Collection method: clinical testing. Allele origin: germline.
Comment: This variant was observed in the ICSL laboratory as part of a predisposition screen in an ostensibly healthy population. It had not been previously curated by ICSL or reported in the Human Gene Mutation Database (HGMD: prior to June 1st, 2018), and was therefore a candidate for classification through an automated scoring system. Utilizing variant allele frequency, disease prevalence and penetrance estimates, and inheritance mode, an automated score was calculated to assess if this variant is too frequent to cause the disease. Based on the score and internal cut-off values, a variant classified as benign is not then subjected to further curation. The score for this variant resulted in a classification of benign for this disease.

Genome Diagnostics Laboratory, University Medical Center Utrecht
Classification: Benign for Fibrous dysplasia of jaw. Last evaluated: 2017-07-28. Review status: criteria provided, single submitter. Criteria: ACGS Guidelines, 2013. Collection method: clinical testing. Allele origin: germline. Affected: yes. Study: VKGL Data-share Consensus.

Laboratory for Molecular Medicine, Mass General Brigham Personalized Medicine
Classification: Benign. Last evaluated: 2016-03-28. Review status: criteria provided, single submitter. Criteria: LMM Criteria. Collection method: clinical testing. Allele origin: germline.
Comment: Variant identified in a genome or exome case(s) and assessed due to predicted null impact of the variant or pathogenic assertions in the literature or databases. Disclaimer: This variant has not undergone full assessment. The following are preliminary notes: Frequency

Breakthrough Genomics
Classification: Benign. Review status: criteria provided, single submitter. Criteria: ACMG Guidelines, 2015. Collection method: not provided. Allele origin: germline. Inheritance: Autosomal dominant inheritance. Affected: yes.

PreventionGenetics, part of Exact Sciences
Classification: Benign. Review status: criteria provided, single submitter. Criteria: ACMG Guidelines, 2015. Collection method: clinical testing. Allele origin: germline.

Diagnostic Laboratory, Department of Genetics, University Medical Center Groningen
Classification: Benign for Fibrous dysplasia of jaw. Review status: no assertion criteria provided. Collection method: clinical testing. Allele origin: germline. Affected: yes. Study: VKGL Data-share Consensus. Not counted in ClinVar's aggregate classification.

NM_001122681.2(SH3BP2):c.750T>G (p.Ala250=)

Gene: SH3BP2 (SH3 domain binding protein 2; plus strand). Cytogenetic location: 4p16.3.
Variant type: single nucleotide variant.
Coding change: c.750T>G on transcript NM_001122681.2 (MANE Select); coding-DNA position 750, T replaced by G.
Protein change: p.Ala250=; no amino-acid change (alanine 250 retained).
Molecular consequence: synonymous variant.
Genome position (GRCh38, 1-based): chr4:2,829,656, T>G. VCF-style: chr4-2829656-T-G. GRCh37 (hg19) VCF-style: chr4-2831383-T-G.
Other names: p.Ala250=; c.750T>G, p.Ala250= (NM_003023.4); c.834T>G, p.Ala278= (NM_001145855.2); c.921T>G, p.Ala307= (NM_001145856.2).
Identifiers: ClinVar variation 258898 (VCV000258898.28), dbSNP rs231399, ClinGen allele CA2819308.